The following is an entry in ClinVar:

ClinVar aggregate classification (germline): Conflicting classifications of pathogenicity. Review status: criteria provided, conflicting classifications (1 of 4 stars). 4 submissions from 4 submitters: Likely pathogenic (3); Uncertain significance (1). Last evaluated 2026-04-08.

Conditions:
Hypophosphatasia. Also called: Phosphoethanol-aminuria. Identifiers: Orphanet 436, MedGen C0020630, MeSH D007014, MONDO:0018570.
Adult hypophosphatasia. Identifiers: Orphanet 247676, Orphanet 436, MedGen C0268413, MONDO:1010154, OMIM 146300, MONDO:0007798.

Allele frequency attached by ClinVar (database versions not stated): gnomAD exomes below 0.00001.

Submissions (4):

Myriad Genetics, Inc.
Classification: Likely pathogenic for Hypophosphatasia. Last evaluated: 2026-04-08. Review status: criteria provided, single submitter. Criteria: Myriad Autosomal Dominant, Autosomal Recessive and X-Linked Classification Criteria (2023). Collection method: clinical testing. Allele origin: unknown.
Comment: NM_000478.4(ALPL):c.385G>A(G129R) is a missense variant classified as likely pathogenic in the context of hypophosphatasia. G129R has been observed in cases with relevant disease (PMID: 9781036, 32973344, 38591765). Relevant functional assessments of this variant are not available in the literature. Internal structural analysis of the variant is supportive of pathogenicity. G129R has not been observed in referenced population frequency databases. In summary, NM_000478.4(ALPL):c.385G>A(G129R) is a missense variant that has internal structural support for pathogenicity and has been observed more frequently in cases with the relevant disease than in healthy populations. Please note: this variant was assessed in the context of healthy population screening.

Genomenon, Inc
Classification: Likely pathogenic for Hypophosphatasia. Last evaluated: 2025-08-29. Review status: criteria provided, single submitter. Criteria: Genomenon Sequence Variant Interpretation Standards. Collection method: curation. Allele origin: germline. Affected: yes.
Comment: ALPL c.385G>A is a missense variant that changes the amino acid at residue 129 from Glycine to Arginine. This variant has been observed in at least one proband affected with hypophosphatasia (PMID:32973344). It is absent or not present at a significant frequency in gnomAD. In silico models agree that this variant is possibly or probably damaging. In conclusion, we classify ALPL p.Gly129Arg (c.385G>A) as a likely pathogenic variant.

Women's Health and Genetics/Laboratory Corporation of America, LabCorp
Classification: Uncertain significance. Last evaluated: 2024-10-25. Review status: criteria provided, single submitter. Criteria: LabCorp Variant Classification Summary - May 2015. Collection method: clinical testing. Allele origin: germline.
Comment: Variant summary: ALPL c.385G>A (p.Gly129Arg), also reported as G112R, results in a non-conservative amino acid change in the encoded protein sequence. Five of five in-silico tools predict a damaging effect of the variant on protein function. The variant was absent in 251040 control chromosomes. The available data on variant occurrences in the general population are insufficient to allow any conclusion about variant significance. c.385G>A has been reported in the literature in trans with a likely pathogenic/pathogenic variant (p.Gly456Arg) in at least 1 individual affected with autosomal recessive perinatal lethal Hypophosphatasia (example, Zurutuza_1999). These data do not allow any conclusion about variant significance. To our knowledge, no experimental evidence demonstrating an impact on protein function has been reported. The following publication has been ascertained in the context of this evaluation (PMID: 10332035). ClinVar contains an entry for this variant (Variation ID: 2676439). Based on the evidence outlined above, the variant was classified as uncertain significance.

Baylor Genetics
Classification: Likely pathogenic for Adult hypophosphatasia. Last evaluated: 2023-10-16. Review status: criteria provided, single submitter. Criteria: ACMG Guidelines, 2015. Collection method: clinical testing. Allele origin: unknown.

Literature cited by the submitters: PubMed 32973344 (cited by Myriad Genetics, Inc. and Genomenon, Inc); PubMed 38591765 (cited by Myriad Genetics, Inc.); PubMed 9781036 (cited by Myriad Genetics, Inc.); PubMed 10332035 (cited by Women's Health and Genetics/Laboratory Corporation of America, LabCorp).

NM_000478.6(ALPL):c.385G>A (p.Gly129Arg)

Gene: ALPL (alkaline phosphatase, biomineralization associated; plus strand). Cytogenetic location: 1p36.12.
Variant type: single nucleotide variant.
Coding change: c.385G>A on transcript NM_000478.6 (MANE Select); coding-DNA position 385, G replaced by A.
Protein change: p.Gly129Arg; replaces glycine 129 with arginine.
Molecular consequence: missense variant.
Genome position (GRCh38, 1-based): chr1:21,563,197, G>A. VCF-style: chr1-21563197-G-A. GRCh37 (hg19) VCF-style: chr1-21889690-G-A.
Other names: c.220G>A, p.Gly74Arg (NM_001127501.4); c.154G>A, p.Gly52Arg (NM_001177520.3); c.385G>A, p.Gly129Arg (NM_001369803.2, NM_001369804.2, NM_001369805.2); short protein forms G129R, G52R, G74R.
Identifiers: ClinVar variation 2676439 (VCV002676439.4), dbSNP rs1644509963, ClinGen allele CA338877229.